The following is an entry in ClinVar:

NM_001001331.4(ATP2B2):c.746G>A (p.Arg249His)

Gene: ATP2B2 (ATPase plasma membrane Ca2+ transporting 2; minus strand). Cytogenetic location: 3p25.3.
Variant type: single nucleotide variant.
Coding change: c.746G>A on transcript NM_001001331.4 (MANE Select); coding-DNA position 746, G replaced by A.
Protein change: p.Arg249His; replaces arginine 249 with histidine.
Molecular consequence: missense variant.
Genome position (GRCh38, 1-based): chr3:10,400,988, C>T on the plus strand (G>A on the coding strand, the complement: ATP2B2 is on the minus strand). VCF-style: chr3-10400988-C-T. GRCh37 (hg19) VCF-style: chr3-10442672-C-T.
Other names: c.746G>A, p.Arg249His (NM_001330611.3, NM_001353564.1, NM_001363862.1 and 1 more transcripts); short protein forms R249H.
Identifiers: ClinVar variation 2523714 (VCV002523714.4), dbSNP rs200591536, ClinGen allele CA2253943.

ClinVar aggregate classification (germline): Uncertain significance. Review status: criteria provided, multiple submitters, no conflicts (2 of 4 stars). 2 submissions from 2 submitters: Uncertain significance (2). Last evaluated 2026-02-02.

Allele frequency attached by ClinVar (database versions not stated): ExAC 0.00002; gnomAD 0.00004; TOPMed 0.00006; gnomAD exomes 0.00006.
gnomAD v4.1: 90 of 1,613,998 alleles (0.0056%); highest among the groups gnomAD compares: Non-Finnish European, 0.0073%; no homozygotes.

Submissions (2):

Labcorp Genetics (formerly Invitae), Labcorp
Classification: Uncertain significance. Last evaluated: 2026-02-02. Review status: criteria provided, single submitter. Criteria: Invitae Variant Classification Sherloc (09022015). Collection method: clinical testing. Allele origin: germline.
Comment: This sequence change replaces arginine, which is basic and polar, with histidine, which is basic and polar, at codon 249 of the ATP2B2 protein (p.Arg249His). This variant is present in population databases (rs200591536, gnomAD 0.008%). This variant has not been reported in the literature in individuals affected with ATP2B2-related conditions. ClinVar contains an entry for this variant (Variation ID: 2523714). Invitae Evidence Modeling of protein sequence and biophysical properties (such as structural, functional, and spatial information, amino acid conservation, physicochemical variation, residue mobility, and thermodynamic stability) has been performed for this missense variant. However, the output from this modeling did not meet the statistical confidence thresholds required to predict the impact of this variant on ATP2B2 protein function. In summary, the available evidence is currently insufficient to determine the role of this variant in disease. Therefore, it has been classified as a Variant of Uncertain Significance.

Ambry Genetics
Classification: Uncertain significance. Last evaluated: 2023-04-24. Review status: criteria provided, single submitter. Criteria: Ambry Variant Classification Scheme 2023. Collection method: clinical testing. Allele origin: germline.